The following is an entry in ClinVar:

NM_001374736.1(DST):c.23247C>T (p.Gly7749=)

Gene: DST (dystonin; minus strand). Cytogenetic location: 6p12.1.
Variant type: single nucleotide variant.
Coding change: c.23247C>T on transcript NM_001374736.1 (MANE Select); coding-DNA position 23247, C replaced by T.
Protein change: p.Gly7749=; no amino-acid change (glycine 7749 retained).
Molecular consequence: synonymous variant.
Genome position (GRCh38, 1-based): chr6:56,459,215, G>A on the plus strand (C>T on the coding strand, the complement: DST is on the minus strand). VCF-style: chr6-56459215-G-A. GRCh37 (hg19) VCF-style: chr6-56324013-G-A.
Other names: c.16818C>T, p.Gly5606= (NM_001144769.5); c.16404C>T, p.Gly5468= (NM_001144770.2); c.23175C>T, p.Gly7725= (NM_001374722.1); c.22176C>T, p.Gly7392= (NM_001374729.1); c.15918C>T, p.Gly5306= (NM_001374730.1); c.23202C>T, p.Gly7734= (NM_001374734.1); c.16266C>T, p.Gly5422= (NM_001386100.1); c.15306C>T, p.Gly5102= (NM_015548.5); and 1 more.
Identifiers: ClinVar variation 2929291 (VCV002929291.3), dbSNP rs962169183, ClinGen allele CA139162239.

ClinVar aggregate classification (germline): Uncertain significance (1 of 4 stars; one submission).

Conditions:
Hereditary sensory and autonomic neuropathy type 6. Also called: HSAN VI; Neuropathy, hereditary sensory and autonomic, type VI. Identifiers: Orphanet 314381, MedGen C3539003, MONDO:0013839, OMIM 614653.
Epidermolysis bullosa simplex 3, localized or generalized intermediate, with BP230 deficiency (EBS3). Also called: Epidermolysis bullosa simplex, autosomal recessive 2; Epidermolysis bullosa simplex due to BP230 deficiency. Identifiers: Orphanet 412181, MedGen C3809470, MONDO:0014180, OMIM 615425.

Allele frequency attached by ClinVar (database versions not stated): gnomAD 0.00001; gnomAD exomes 0.00001; TOPMed 0.00001.
gnomAD v4.1: 6 of 1,613,326 alleles (0.00037%); highest among the groups gnomAD compares: Middle Eastern, 0.049%; no homozygotes.

Submission:

Labcorp Genetics (formerly Invitae), Labcorp
Classification: Uncertain significance for Epidermolysis bullosa simplex 3, localized or generalized intermediate, with BP230 deficiency; Hereditary sensory and autonomic neuropathy type 6. Last evaluated: 2023-12-21. Review status: criteria provided, single submitter. Criteria: Invitae Variant Classification Sherloc (09022015). Collection method: clinical testing. Allele origin: germline.
Comment: The DST gene has multiple clinically relevant transcripts. This variant occurs in alternate transcript NM_015548.4 and corresponds to NM_001723.5:c.*156302C>T in the primary transcript. This sequence change affects codon 5102 of the DST mRNA. It is a 'silent' change, meaning that it does not change the encoded amino acid sequence of the DST protein. This variant is present in population databases (no rsID available, gnomAD 0.003%). This variant has not been reported in the literature in individuals affected with DST-related conditions. Experimental studies and prediction algorithms are not available or were not evaluated, and the effect of this variant on mRNA splicing is currently unknown. In summary, the available evidence is currently insufficient to determine the role of this variant in disease. Therefore, it has been classified as a Variant of Uncertain Significance.